The following is an entry in ClinVar:

NM_024422.6(DSC2):c.2201A>G (p.Gln734Arg)

Gene: DSC2 (desmocollin 2; minus strand). Cytogenetic location: 18q12.1.
Variant type: single nucleotide variant.
Coding change: c.2201A>G on transcript NM_024422.6 (MANE Select); coding-DNA position 2201, A replaced by G.
Protein change: p.Gln734Arg; replaces glutamine 734 with arginine.
Molecular consequence: missense variant.
Genome position (GRCh38, 1-based): chr18:31,070,775, T>C on the plus strand (A>G on the coding strand, the complement: DSC2 is on the minus strand). VCF-style: chr18-31070775-T-C. GRCh37 (hg19) VCF-style: chr18-28650741-T-C.
Other names: c.1772A>G, p.Gln591Arg (NM_001406506.1, NM_001406507.1); c.2201A>G, p.Gln734Arg (NM_004949.5); short protein forms Q591R, Q734R.
Identifiers: ClinVar variation 2065601 (VCV002065601.4), dbSNP rs749589324, ClinGen allele CA402112441.

ClinVar aggregate classification (germline): Uncertain significance (1 of 4 stars; one submission).

Conditions:
Arrhythmogenic right ventricular dysplasia 11. Also called: Arrhythmogenic Right Ventricular Dysplasia/Cardiomyopathy11; ARRHYTHMOGENIC RIGHT VENTRICULAR DYSPLASIA, FAMILIAL, 11; Arrhythmogenic right ventricular dysplasia 11 with mild palmoplantar keratoderma and woolly hair. Identifiers: MedGen C1864850, MONDO:0012506, OMIM 610476.

Submission:

Labcorp Genetics (formerly Invitae), Labcorp
Classification: Uncertain significance for Arrhythmogenic right ventricular dysplasia 11. Last evaluated: 2022-09-23. Review status: criteria provided, single submitter. Criteria: Invitae Variant Classification Sherloc (09022015). Collection method: clinical testing. Allele origin: germline.
Comment: This sequence change replaces glutamine, which is neutral and polar, with arginine, which is basic and polar, at codon 734 of the DSC2 protein (p.Gln734Arg). This variant is not present in population databases (gnomAD no frequency). This variant has not been reported in the literature in individuals affected with DSC2-related conditions. Advanced modeling of protein sequence and biophysical properties (such as structural, functional, and spatial information, amino acid conservation, physicochemical variation, residue mobility, and thermodynamic stability) performed at Invitae indicates that this missense variant is expected to disrupt DSC2 protein function. In summary, the available evidence is currently insufficient to determine the role of this variant in disease. Therefore, it has been classified as a Variant of Uncertain Significance.